The following is an entry in ClinVar:

NM_000520.6(HEXA):c.1346A>G (p.Lys449Arg)

Gene: HEXA (hexosaminidase subunit alpha; minus strand). Cytogenetic location: 15q23.
Variant type: single nucleotide variant.
Coding change: c.1346A>G on transcript NM_000520.6 (MANE Select); coding-DNA position 1346, A replaced by G.
Protein change: p.Lys449Arg; replaces lysine 449 with arginine.
Molecular consequence: missense variant. On other transcripts: non-coding transcript variant (1).
Genome position (GRCh38, 1-based): chr15:72,346,310, T>C on the plus strand (A>G on the coding strand, the complement: HEXA is on the minus strand). VCF-style: chr15-72346310-T-C. GRCh37 (hg19) VCF-style: chr15-72638651-T-C.
Other names: c.1379A>G, p.Lys460Arg (NM_001318825.2); c.1346A>G (NM_000520.4); short protein forms K449R, K460R.
Identifiers: ClinVar variation 2415082 (VCV002415082.4), dbSNP rs751934469, ClinGen allele CA7644712.

ClinVar aggregate classification (germline): Uncertain significance. Review status: criteria provided, multiple submitters, no conflicts (2 of 4 stars). 2 submissions from 2 submitters: Uncertain significance (2). Last evaluated 2026-03-11.

Conditions:
Tay-Sachs disease (TSD). Also called: HEXA DEFICIENCY; HEXA Disorders; GM2 gangliosidosis, type 1; Hexosaminidase alpha-subunit deficiency (variant B); Sphingolipidosis, Tay-Sachs; Hexosaminidase A Deficiency. Identifiers: Orphanet 845, MedGen C0039373, MONDO:0010100, OMIM 272800.
Inborn genetic diseases. Identifiers: MedGen C0950123, MeSH D030342.

Allele frequency attached by ClinVar (database versions not stated): gnomAD exomes 0.00002; ExAC 0.00003; TOPMed 0.00003.
gnomAD v4.1: 11 of 1,613,866 alleles (0.00068%); highest among the groups gnomAD compares: Admixed American, 0.017%; no homozygotes.

Submissions (2):

Ambry Genetics
Classification: Uncertain significance for Inborn genetic diseases. Last evaluated: 2026-03-11. Review status: criteria provided, single submitter. Criteria: Ambry Variant Classification Scheme 2023. Collection method: clinical testing. Allele origin: germline.
Comment: The p.K449R variant (also known as c.1346A>G), located in coding exon 12 of the HEXA gene, results from an A to G substitution at nucleotide position 1346. The lysine at codon 449 is replaced by arginine, an amino acid with highly similar properties. This amino acid position is conserved. In addition, the in silico prediction for this alteration is inconclusive. Based on the available evidence, the clinical significance of this variant remains unclear.

Labcorp Genetics (formerly Invitae), Labcorp
Classification: Uncertain significance for Tay-Sachs disease. Last evaluated: 2022-08-19. Review status: criteria provided, single submitter. Criteria: Invitae Variant Classification Sherloc (09022015). Collection method: clinical testing. Allele origin: germline.
Comment: This sequence change replaces lysine, which is basic and polar, with arginine, which is basic and polar, at codon 449 of the HEXA protein (p.Lys449Arg). This variant is present in population databases (rs751934469, gnomAD 0.02%). This variant has not been reported in the literature in individuals affected with HEXA-related conditions. Algorithms developed to predict the effect of missense changes on protein structure and function are either unavailable or do not agree on the potential impact of this missense change (SIFT: "Deleterious"; PolyPhen-2: "Benign"; Align-GVGD: "Class C0"). In summary, the available evidence is currently insufficient to determine the role of this variant in disease. Therefore, it has been classified as a Variant of Uncertain Significance.